The following is an entry in ClinVar:

ClinVar aggregate classification (germline): Likely benign (1 of 4 stars; one submission).

gnomAD v4.1: 24 of 1,612,442 alleles (0.0015%); highest among the groups gnomAD compares: Admixed American, 0.02%; no homozygotes.

Submission:

CeGaT Center for Human Genetics Tuebingen
Classification: Likely benign. Last evaluated: 2025-06-01. Review status: criteria provided, single submitter. Criteria: CeGaT Center For Human Genetics Tuebingen Variant Classification Criteria Version 2. Collection method: clinical testing. Allele origin: germline. Affected: yes. Observed: 1 variant allele.
Comment: PDGFB: BP4, BP7

NM_002608.4(PDGFB):c.345C>T (p.Asn115=)

Gene: PDGFB (platelet derived growth factor subunit B; minus strand). Cytogenetic location: 22q13.1.
Variant type: single nucleotide variant.
Coding change: c.345C>T on transcript NM_002608.4 (MANE Select); coding-DNA position 345, C replaced by T.
Protein change: p.Asn115=; no amino-acid change (asparagine 115 retained).
Molecular consequence: synonymous variant.
Genome position (GRCh38, 1-based): chr22:39,231,733, G>A on the plus strand (C>T on the coding strand, the complement: PDGFB is on the minus strand). VCF-style: chr22-39231733-G-A. GRCh37 (hg19) VCF-style: chr22-39627738-G-A.
Other names: c.300C>T, p.Asn100= (NM_033016.3).
Identifiers: ClinVar variation 4084371 (VCV004084371.8).